The following is an entry in ClinVar:

NM_015270.5(ADCY6):c.346C>A (p.Arg116=)

Gene: ADCY6 (adenylate cyclase 6; minus strand). Cytogenetic location: 12q13.12.
Variant type: single nucleotide variant.
Coding change: c.346C>A on transcript NM_015270.5 (MANE Select); coding-DNA position 346, C replaced by A.
Protein change: p.Arg116=; no amino-acid change (arginine 116 retained).
Molecular consequence: synonymous variant. On other transcripts: non-coding transcript variant (1).
Genome position (GRCh38, 1-based): chr12:48,783,089, G>T on the plus strand (C>A on the coding strand, the complement: ADCY6 is on the minus strand). VCF-style: chr12-48783089-G-T. GRCh37 (hg19) VCF-style: chr12-49176872-G-T.
Other names: p.Arg116=; c.346C>A, p.Arg116= (NM_001390830.1, NM_001390831.2, NM_001412819.1 and 3 more transcripts); c.346C>A (NM_015270.4).
Identifiers: ClinVar variation 1266331 (VCV001266331.6), dbSNP rs3730308, ClinGen allele CA6541596.

ClinVar aggregate classification (germline): Benign. Review status: criteria provided, multiple submitters, no conflicts (2 of 4 stars). 4 submissions from 4 submitters: Benign (3). 1 of the submissions does not count toward it. Last evaluated 2018-11-10.

Conditions:
ADCY6-related disorder. Also called: ADCY6-related condition.

Allele frequency attached by ClinVar (database versions not stated): ExAC 0.14474; gnomAD 0.16953 and 0.16729; 1000 Genomes Project 0.15036; TOPMed 0.16570; ESP Exome Variant Server 0.18061; gnomAD exomes 0.13752; 1000 Genomes Project 30x 0.15287.
gnomAD v4.1: 242,871 of 1,611,508 alleles (15%); highest among the groups gnomAD compares: African/African-American, 23%; 19,561 homozygotes.

Submissions (4):

GeneDx
Classification: Benign. Last evaluated: 2018-11-10. Review status: criteria provided, single submitter. Criteria: GeneDx Variant Classification Process June 2021. Collection method: clinical testing. Allele origin: germline. Affected: yes.

Mayo Clinic Laboratories, Mayo Clinic
Classification: Benign. Last evaluated: 2017-08-25. Review status: criteria provided, single submitter. Criteria: ACMG Guidelines, 2015. Collection method: clinical testing. Allele origin: germline. Observed: 202 variant alleles.

Breakthrough Genomics
Classification: Benign. Review status: criteria provided, single submitter. Criteria: ACMG Guidelines, 2015. Collection method: not provided. Allele origin: germline. Inheritance: Autosomal recessive inheritance. Affected: yes.

PreventionGenetics, part of Exact Sciences
Classification: Benign for ADCY6-related condition. Last evaluated: 2019-05-22. Review status: no assertion criteria provided. Collection method: clinical testing. Allele origin: germline. Not counted in ClinVar's aggregate classification.
Comment: This variant is classified as benign based on ACMG/AMP sequence variant interpretation guidelines (Richards et al. 2015 PMID: 25741868, with internal and published modifications).